The following is an entry in ClinVar:

ClinVar aggregate classification (germline): Pathogenic (1 of 4 stars; one submission).

Conditions:
Hereditary cancer-predisposing syndrome. Also called: Tumor predisposition; Hereditary neoplastic syndrome; Neoplastic Syndromes, Hereditary; Hereditary Cancer Syndrome. Identifiers: Orphanet 140162, MedGen C0027672, MeSH D009386, MONDO:0015356.

Submission:

Labcorp Genetics (formerly Invitae), Labcorp
Classification: Pathogenic for Hereditary cancer-predisposing syndrome. Last evaluated: 2021-09-29. Review status: criteria provided, single submitter. Criteria: Invitae Variant Classification Sherloc (09022015). Collection method: clinical testing. Allele origin: germline.
Comment: ClinVar contains an entry for this variant (Variation ID: 1072375). This variant has not been reported in the literature in individuals affected with RAD50-related conditions. This variant is not present in population databases (ExAC no frequency). This sequence change creates a premature translational stop signal (p.Leu615*) in the RAD50 gene. It is expected to result in an absent or disrupted protein product. Loss-of-function variants in RAD50 are known to be pathogenic (PMID: 19409520). For these reasons, this variant has been classified as Pathogenic.

Literature cited by the submitters: PubMed 19409520.

NM_005732.4(RAD50):c.1843del (p.Glu614_Leu615insTer)

Gene: RAD50 (RAD50 double strand break repair protein; plus strand). Cytogenetic location: 5q31.1.
Variant type: Deletion.
Coding change: c.1843del on transcript NM_005732.4 (MANE Select); coding-DNA position 1843, one base deleted (C; older notation c.1843delC).
Protein change: p.Glu614_Leu615insTer.
Molecular consequence: nonsense.
Genome position (GRCh38, 1-based): chr5:132,594,918, C deleted. VCF-style (leftmost placement, unchanged base first): chr5-132594917-AC-A. GRCh37 (hg19) VCF-style: chr5-131930609-AC-A.
Identifiers: ClinVar variation 1072375 (VCV001072375.7), dbSNP rs2149843695, ClinGen allele CA2499217579.